The following is an entry in ClinVar:

ClinVar aggregate classification (germline): Uncertain significance. Review status: criteria provided, multiple submitters, no conflicts (2 of 4 stars). 2 submissions from 2 submitters: Uncertain significance (2). Last evaluated 2025-06-05.

Conditions:
Colorectal cancer, hereditary nonpolyposis, type 7. Identifiers: Orphanet 144, MedGen C1858380, MONDO:0013725, OMIM 614385.

Submissions (2):

Ambry Genetics
Classification: Uncertain significance. Last evaluated: 2025-06-05. Review status: criteria provided, single submitter. Criteria: Ambry Variant Classification Scheme 2023. Collection method: clinical testing. Allele origin: germline.
Comment: The c.3521_3523delACA variant (also known as p.N1174del) is located in coding exon 4 of the MLH3 gene. This variant results from an in-frame ACA deletion at nucleotide positions 3521 to 3523. This results in the in-frame deletion of an asparagine at codon 1174. This amino acid position is highly conserved in available vertebrate species. In addition, this variant is predicted to be deleterious by in silico analysis (Choi Y et al. PLoS ONE. 2012; 7(10):e46688). The evidence for this gene-disease relationship is limited; therefore, the clinical significance of this alteration is unclear.

Labcorp Genetics (formerly Invitae), Labcorp
Classification: Uncertain significance for Colorectal cancer, hereditary nonpolyposis, type 7. Last evaluated: 2024-08-13. Review status: criteria provided, single submitter. Criteria: Invitae Variant Classification Sherloc (09022015). Collection method: clinical testing. Allele origin: germline.
Comment: This variant, c.3521_3523del, results in the deletion of 1 amino acid(s) of the MLH3 protein (p.Asn1174del), but otherwise preserves the integrity of the reading frame. This variant is not present in population databases (gnomAD no frequency). This variant has not been reported in the literature in individuals affected with MLH3-related conditions. Experimental studies and prediction algorithms are not available or were not evaluated, and the functional significance of this variant is currently unknown. In summary, the available evidence is currently insufficient to determine the role of this variant in disease. Therefore, it has been classified as a Variant of Uncertain Significance.

NM_001040108.2(MLH3):c.3518ACA[1] (p.Asn1174del)

Gene: MLH3 (mutL homolog 3; minus strand). Cytogenetic location: 14q24.3.
Variant type: Microsatellite.
Coding change: c.3518ACA[1] on transcript NM_001040108.2 (MANE Select); one copy of the 3-base unit ACA starting at c.3518; the reference has two copies in a row; one copy, 3 bases deleted.
Protein change: p.Asn1174del; deletes asparagine 1174.
Molecular consequence: inframe deletion.
Genome position (GRCh38, 1-based): chr14:75,039,958-75,039,960, TGT deleted on the plus strand (ACA on the coding strand, the reverse complement: MLH3 is on the minus strand); deleting any 3 consecutive bases within chr14:75,039,958-75,039,963 gives the same sequence; the position shown is the placement nearest the transcript's 3' end. VCF-style (leftmost placement, unchanged base first): chr14-75039957-ATGT-A. GRCh37 (hg19) VCF-style: chr14-75506660-ATGT-A.
Other names: c.3518ACA[1], p.Asn1174del (NM_014381.3); c.3521_3523delACA (NM_001040108.1); short protein forms N1174del.
Identifiers: ClinVar variation 1383675 (VCV001383675.7), dbSNP rs2139473855, ClinGen allele CA2530476492.